The following is an entry in ClinVar:

NM_014727.3(KMT2B):c.3692A>G (p.Glu1231Gly)

Gene: KMT2B (lysine methyltransferase 2B; plus strand). Cytogenetic location: 19q13.12.
Variant type: single nucleotide variant.
Coding change: c.3692A>G on transcript NM_014727.3 (MANE Select); coding-DNA position 3692, A replaced by G.
Protein change: p.Glu1231Gly; replaces glutamic acid 1231 with glycine.
Molecular consequence: missense variant.
Genome position (GRCh38, 1-based): chr19:35,725,528, A>G. VCF-style: chr19-35725528-A-G. GRCh37 (hg19) VCF-style: chr19-36216429-A-G.
Other names: short protein forms E1231G.
Identifiers: ClinVar variation 5023372 (VCV005023372.1).

ClinVar aggregate classification (germline): Uncertain significance (1 of 4 stars; one submission).

Conditions:
Inborn genetic diseases. Identifiers: MedGen C0950123, MeSH D030342.

gnomAD v4.1: 7 of 1,611,258 alleles (0.00043%); highest among the groups gnomAD compares: Non-Finnish European, 0.00059%; no homozygotes.

Submission:

Ambry Genetics
Classification: Uncertain significance for Inborn genetic diseases. Last evaluated: 2026-09-02. Review status: criteria provided, single submitter. Criteria: Ambry Variant Classification Scheme 2023. Collection method: clinical testing. Allele origin: germline.
Comment: The c.3692A>G (p.E1231G) alteration is located in exon 12 (coding exon 12) of the KMT2B gene. This alteration results from a A to G substitution at nucleotide position 3692, causing the glutamic acid (E) at amino acid position 1231 to be replaced by a glycine (G). Based on data from gnomAD, the G allele has an overall frequency of 0.001% (2/278806) total alleles studied. The highest observed frequency was 0.002% (2/128432) of European (non-Finnish) alleles. Based on insufficient or conflicting evidence, the clinical significance of this alteration remains unclear.